The following is an entry in ClinVar:

ClinVar aggregate classification (germline): Uncertain significance. Review status: criteria provided, multiple submitters, no conflicts (2 of 4 stars). 3 submissions from 3 submitters: Uncertain significance (3). Last evaluated 2026-07-05.

Conditions:
ATP2B2-related disorder. Also called: ATP2B2-related condition.

Allele frequency attached by ClinVar (database versions not stated): gnomAD 0.00002 and 0.00004; TOPMed 0.00003; gnomAD exomes 0.00007; ExAC 0.00025.
gnomAD v4.1: 77 of 1,550,684 alleles (0.005%); highest among the groups gnomAD compares: Middle Eastern, 0.083%; 1 homozygote.

Submissions (3):

PreventionGenetics, part of Exact Sciences
Classification: Uncertain significance for ATP2B2-related condition. Last evaluated: 2026-07-05. Review status: criteria provided, single submitter. Criteria: ACMG Guidelines, 2015. Collection method: clinical testing. Allele origin: germline.
Comment: The ATP2B2 c.3408G>T variant is predicted to result in the amino acid substitution p.Leu1136Phe. To our knowledge, this variant has not been reported in the literature. This variant is reported in 0.035% of alleles in individuals of South Asian descent in gnomAD. Although we suspect that this variant may be benign, at this time, the clinical significance of this variant is uncertain due to the absence of conclusive functional and genetic evidence.

CeGaT Center for Human Genetics Tuebingen
Classification: Uncertain significance. Last evaluated: 2024-03-01. Review status: criteria provided, single submitter. Criteria: CeGaT Center For Human Genetics Tuebingen Variant Classification Criteria Version 2. Collection method: clinical testing. Allele origin: germline. Affected: yes. Observed: 1 variant allele.
Comment: ATP2B2: PP2, BP4

GeneDx
Classification: Uncertain significance. Last evaluated: 2019-10-22. Review status: criteria provided, single submitter. Criteria: GeneDx Variant Classification Process June 2021. Collection method: clinical testing. Allele origin: germline. Affected: yes.
Comment: In silico analysis, which includes splice predictors and evolutionary conservation, supports that this variant does not alter protein structure/function; Has not been previously published as pathogenic or benign to our knowledge

NM_001001331.4(ATP2B2):c.3420+1998G>T

Gene: ATP2B2 (ATPase plasma membrane Ca2+ transporting 2; minus strand). Cytogenetic location: 3p25.3.
Variant type: single nucleotide variant.
Coding change: c.3420+1998G>T on transcript NM_001001331.4 (MANE Select); 1998 bases into the intron after coding-DNA position 3420, G replaced by T.
Molecular consequence: intron variant. On other transcripts: missense variant (2).
Genome position (GRCh38, 1-based): chr3:10,336,178, C>A on the plus strand (G>T on the coding strand, the complement: ATP2B2 is on the minus strand). VCF-style: chr3-10336178-C-A. GRCh37 (hg19) VCF-style: chr3-10377862-C-A.
Other names: c.3408G>T, p.Leu1136Phe (NM_001330611.3, NM_001363862.1); c.3285+1998G>T (NM_001353564.1, NM_001683.5); short protein forms L1136F.
Identifiers: ClinVar variation 1308877 (VCV001308877.24), dbSNP rs746796428, ClinGen allele CA2253092.